The following is an entry in ClinVar:

ClinVar aggregate classification (germline): Uncertain significance. Review status: criteria provided, single submitter (1 of 4 stars). 2 submissions from 2 submitters: Uncertain significance (1). 1 of the submissions does not count toward it. Last evaluated 2022-09-23.

Conditions:
BCOR-related disorder. Also called: BCOR-related condition; BCOR-related disorders.
Oculofaciocardiodental syndrome (MCOPS2). Identifiers: Orphanet 2712, MedGen C1846265, MONDO:0010261, OMIM 300166.

Allele frequency attached by ClinVar (database versions not stated): ExAC 0.00003.
gnomAD v4.1: 30 of 1,210,948 alleles (0.0025%); highest among the groups gnomAD compares: South Asian, 0.007%; no homozygotes.

Submissions (2):

Labcorp Genetics (formerly Invitae), Labcorp
Classification: Uncertain significance for Oculofaciocardiodental syndrome. Last evaluated: 2022-09-23. Review status: criteria provided, single submitter. Criteria: Invitae Variant Classification Sherloc (09022015). Collection method: clinical testing. Allele origin: germline.
Comment: In summary, the available evidence is currently insufficient to determine the role of this variant in disease. Therefore, it has been classified as a Variant of Uncertain Significance. Algorithms developed to predict the effect of missense changes on protein structure and function are either unavailable or do not agree on the potential impact of this missense change (SIFT: "Deleterious"; PolyPhen-2: "Benign"; Align-GVGD: "Class C15"). This variant has not been reported in the literature in individuals affected with BCOR-related conditions. This variant is present in population databases (rs757991049, gnomAD 0.01%). This sequence change replaces glutamic acid, which is acidic and polar, with lysine, which is basic and polar, at codon 1114 of the BCOR protein (p.Glu1114Lys).

PreventionGenetics, part of Exact Sciences
Classification: Uncertain significance for BCOR-related condition. Last evaluated: 2024-01-04. Review status: no assertion criteria provided. Collection method: clinical testing. Allele origin: germline. Not counted in ClinVar's aggregate classification.
Comment: The BCOR c.3340G>A variant is predicted to result in the amino acid substitution p.Glu1114Lys. To our knowledge, this variant has not been reported in the literature. This variant is reported in 0.010% of alleles in individuals of South Asian descent in gnomAD. Although we suspect that this variant may be benign, at this time, the clinical significance of this variant is uncertain due to the absence of conclusive functional and genetic evidence.

NM_001123385.2(BCOR):c.3340G>A (p.Glu1114Lys)

Gene: BCOR (BCL6 corepressor; minus strand). Cytogenetic location: Xp11.4.
Variant type: single nucleotide variant.
Coding change: c.3340G>A on transcript NM_001123385.2 (MANE Select); coding-DNA position 3340, G replaced by A.
Protein change: p.Glu1114Lys; replaces glutamic acid 1114 with lysine.
Molecular consequence: missense variant.
Genome position (GRCh38, 1-based): chrX:40,064,498, C>T on the plus strand (G>A on the coding strand, the complement: BCOR is on the minus strand). VCF-style: chrX-40064498-C-T. GRCh37 (hg19) VCF-style: chrX-39923751-C-T.
Other names: c.3340G>A, p.Glu1114Lys (NM_001123383.2, NM_017745.6); c.3286G>A, p.Glu1096Lys (NM_001123384.2); short protein forms E1114K, E1096K.
Identifiers: ClinVar variation 2043642 (VCV002043642.6), dbSNP rs757991049, ClinGen allele CA10386656.